The following is an entry in ClinVar:

NM_148897.3(SDR9C7):c.692G>A (p.Arg231Gln)

Gene: SDR9C7 (short chain dehydrogenase/reductase family 9C member 7; minus strand). Cytogenetic location: 12q13.3.
Variant type: single nucleotide variant.
Coding change: c.692G>A on transcript NM_148897.3 (MANE Select); coding-DNA position 692, G replaced by A.
Protein change: p.Arg231Gln; replaces arginine 231 with glutamine.
Molecular consequence: missense variant.
Genome position (GRCh38, 1-based): chr12:56,929,422, C>T on the plus strand (G>A on the coding strand, the complement: SDR9C7 is on the minus strand). VCF-style: chr12-56929422-C-T. GRCh37 (hg19) VCF-style: chr12-57323206-C-T.
Other names: short protein forms R231Q.
Identifiers: ClinVar variation 776722 (VCV000776722.10), dbSNP rs75997315, ClinGen allele CA6638086.
Genomic context (GRCh38, chr12:56,929,422, plus strand): 5'-AGACCCCTCTCCTGCCCCAGGAACTTACAGATGCGGAAATAATCCTCTCCGTAGCTGTCC[C>T]GGGTCTCCTGAGGCAGCCTCTCCCAAAGCTTTCGCATGCGTGACTCCAGGTTCTCCTTGC-3'
Protein context (NP_683695.1, residues 221-241): KLWERLPQET[Arg231Gln]DSYGEDYFRI

ClinVar aggregate classification (germline): Benign. Review status: criteria provided, multiple submitters, no conflicts (2 of 4 stars). 3 submissions from 3 submitters: Benign (3). Last evaluated 2026-01-25.

Conditions:
SDR9C7-related disorder. Also called: SDR9C7-related condition.

Allele frequency attached by ClinVar (database versions not stated): gnomAD 0.01163; TOPMed 0.01261; ESP Exome Variant Server 0.01322; 1000 Genomes Project 0.01338; 1000 Genomes Project 30x 0.01515.
gnomAD v4.1: 3,545 of 1,612,416 alleles (0.22%); highest among the groups gnomAD compares: African/African-American, 4%; 72 homozygotes.

Submissions (3):

Labcorp Genetics (formerly Invitae), Labcorp
Classification: Benign. Last evaluated: 2026-01-25. Review status: criteria provided, single submitter. Criteria: Invitae Variant Classification Sherloc (09022015). Collection method: clinical testing. Allele origin: germline.

PreventionGenetics, part of Exact Sciences
Classification: Benign for SDR9C7-related condition. Last evaluated: 2026-01-11. Review status: criteria provided, single submitter. Criteria: ACMG Guidelines, 2015. Collection method: clinical testing. Allele origin: germline.
Comment: This variant is classified as benign based on ACMG/AMP sequence variant interpretation guidelines (Richards et al. 2015 PMID: 25741868, with internal and published modifications).

Breakthrough Genomics
Classification: Benign. Review status: criteria provided, single submitter. Criteria: ACMG Guidelines, 2015. Collection method: not provided. Allele origin: germline. Inheritance: Autosomal recessive inheritance. Affected: yes.